The following is an entry in ClinVar:

ClinVar aggregate classification (germline): Uncertain significance (1 of 4 stars; one submission).

Submission:

Labcorp Genetics (formerly Invitae), Labcorp
Classification: Uncertain significance. Last evaluated: 2022-01-01. Review status: criteria provided, single submitter. Criteria: Invitae Variant Classification Sherloc (09022015). Collection method: clinical testing. Allele origin: germline.
Comment: In summary, the available evidence is currently insufficient to determine the role of this variant in disease. Therefore, it has been classified as a Variant of Uncertain Significance. Algorithms developed to predict the effect of sequence changes on RNA splicing suggest that this variant may create or strengthen a splice site. This variant has not been reported in the literature in individuals affected with AP3D1-related conditions. This variant is not present in population databases (gnomAD no frequency). This sequence change falls in intron 6 of the AP3D1 gene. It does not directly change the encoded amino acid sequence of the AP3D1 protein.

NM_001261826.3(AP3D1):c.592+7G>A

Gene: AP3D1 (adaptor related protein complex 3 subunit delta 1; minus strand). Cytogenetic location: 19p13.3.
Variant type: single nucleotide variant.
Coding change: c.592+7G>A on transcript NM_001261826.3 (MANE Select); 7 bases into the intron after coding-DNA position 592, G replaced by A.
Molecular consequence: intron variant.
Genome position (GRCh38, 1-based): chr19:2,130,401, C>T on the plus strand (G>A on the coding strand, the complement: AP3D1 is on the minus strand). VCF-style: chr19-2130401-C-T. GRCh37 (hg19) VCF-style: chr19-2130400-C-T.
Other names: c.592+7G>A (NM_003938.8, NM_001374799.1).
Identifiers: ClinVar variation 2068532 (VCV002068532.4), dbSNP rs2512205012, ClinGen allele CA2580096122.